The following is an entry in ClinVar:

NM_017849.4(TMEM127):c.206C>G (p.Ser69Cys)

Gene: TMEM127 (transmembrane protein 127; minus strand). Cytogenetic location: 2q11.2.
Variant type: single nucleotide variant.
Coding change: c.206C>G on transcript NM_017849.4 (MANE Select); coding-DNA position 206, C replaced by G.
Protein change: p.Ser69Cys; replaces serine 69 with cysteine.
Molecular consequence: missense variant. On other transcripts: intron variant (1).
Genome position (GRCh38, 1-based): chr2:96,265,176, G>C on the plus strand (C>G on the coding strand, the complement: TMEM127 is on the minus strand). VCF-style: chr2-96265176-G-C. GRCh37 (hg19) VCF-style: chr2-96930914-G-C.
Other names: c.206C>G, p.Ser69Cys (NM_001193304.3); c.-9+693C>G (NM_001407283.1); short protein forms S69C.
Identifiers: ClinVar variation 3622720 (VCV003622720.2).
Genomic context (GRCh38, chr2:96,265,176, plus strand): 5'-GGCCAGCGCGCAGCACCCTCACCTTTCAGCAGGTCCGGGTGCACATAGCCCAACACGTCG[G>C]AGACCCCCAGCTCCTGGCGCGAACAGGTGCCTCCGTGGATGTGCAACCAGGCGGGCTCGG-3'
Protein context (NP_060319.1, residues 59-79): GTCSRQELGV[Ser69Cys]DVLGYVHPDL

ClinVar aggregate classification (germline): Uncertain significance (1 of 4 stars; one submission).

Conditions:
Hereditary pheochromocytoma and paraganglioma. Also called: Hereditary paragangliomas and pheochromocytomas; Hereditary Paraganglioma-Pheochromocytoma Syndromes; Hereditary pheochromocytoma-paraganglioma. Identifiers: Orphanet 29072, MedGen C4274332, MONDO:0017366.

Submission:

Labcorp Genetics (formerly Invitae), Labcorp
Classification: Uncertain significance for Hereditary pheochromocytoma and paraganglioma. Last evaluated: 2024-04-24. Review status: criteria provided, single submitter. Criteria: Invitae Variant Classification Sherloc (09022015). Collection method: clinical testing. Allele origin: germline.
Comment: This sequence change replaces serine, which is neutral and polar, with cysteine, which is neutral and slightly polar, at codon 69 of the TMEM127 protein (p.Ser69Cys). This variant is not present in population databases (gnomAD no frequency). This variant has not been reported in the literature in individuals affected with TMEM127-related conditions. An algorithm developed to predict the effect of missense changes on protein structure and function (PolyPhen-2) suggests that this variant is likely to be tolerated. In summary, the available evidence is currently insufficient to determine the role of this variant in disease. Therefore, it has been classified as a Variant of Uncertain Significance.